The following is an entry in ClinVar:

ClinVar aggregate classification (germline): Uncertain significance. Review status: criteria provided, multiple submitters, no conflicts (2 of 4 stars). 4 submissions from 4 submitters: Uncertain significance (4). Last evaluated 2025-10-24.

Conditions:
Chuvash polycythemia. Also called: POLYCYTHEMIA, VHL-DEPENDENT. Identifiers: Orphanet 238557, MedGen C1837915, MONDO:0009892, OMIM 263400.
Von Hippel-Lindau syndrome (VHLS). Also called: VHL syndrome; von Hippel–Lindau syndrome; Von Hippel-Lindau. Identifiers: Orphanet 892, MedGen C0019562, MONDO:0008667, OMIM 193300. Disease mechanism: loss of function.
Hereditary cancer-predisposing syndrome. Also called: Hereditary neoplastic syndrome; Tumor predisposition; Hereditary Cancer Syndrome; Neoplastic Syndromes, Hereditary. Identifiers: Orphanet 140162, MedGen C0027672, MeSH D009386, MONDO:0015356.

Allele frequency attached by ClinVar (database versions not stated): gnomAD 0.00001; TOPMed 0.00001.
gnomAD v4.1: 7 of 1,535,572 alleles (0.00046%); highest among the groups gnomAD compares: African/African-American, 0.0028%; no homozygotes.

Submissions (4):

Ambry Genetics
Classification: Uncertain significance for Hereditary cancer-predisposing syndrome. Last evaluated: 2025-10-24. Review status: criteria provided, single submitter. Criteria: Ambry Variant Classification Scheme 2023. Collection method: clinical testing. Allele origin: germline.
Comment: The p.R3P variant (also known as c.8G>C), located in coding exon 1 of the VHL gene, results from a G to C substitution at nucleotide position 8. The arginine at codon 3 is replaced by proline, an amino acid with dissimilar properties. This amino acid position is not well conserved in available vertebrate species. In addition, the in silico prediction for this alteration is inconclusive. Since supporting evidence is limited at this time, the clinical significance of this alteration remains unclear.

Labcorp Genetics (formerly Invitae), Labcorp
Classification: Uncertain significance for Von Hippel-Lindau syndrome; Chuvash polycythemia. Last evaluated: 2025-10-14. Review status: criteria provided, single submitter. Criteria: Invitae Variant Classification Sherloc (09022015). Collection method: clinical testing. Allele origin: germline.
Comment: This sequence change replaces arginine, which is basic and polar, with proline, which is neutral and non-polar, at codon 3 of the VHL protein (p.Arg3Pro). This variant is not present in population databases (gnomAD no frequency). This variant has not been reported in the literature in individuals affected with VHL-related conditions. ClinVar contains an entry for this variant (Variation ID: 575760). Invitae Evidence Modeling of protein sequence and biophysical properties (such as structural, functional, and spatial information, amino acid conservation, physicochemical variation, residue mobility, and thermodynamic stability) has been performed for this missense variant. However, the output from this modeling did not meet the statistical confidence thresholds required to predict the impact of this variant on VHL protein function. In summary, the available evidence is currently insufficient to determine the role of this variant in disease. Therefore, it has been classified as a Variant of Uncertain Significance.

GeneDx
Classification: Uncertain significance. Last evaluated: 2022-10-20. Review status: criteria provided, single submitter. Criteria: GeneDx Variant Classification Process June 2021. Collection method: clinical testing. Allele origin: germline. Affected: yes.
Comment: Not observed at significant frequency in large population cohorts (gnomAD); In silico analysis supports that this missense variant does not alter protein structure/function; Has not been previously published as pathogenic or benign to our knowledge

Sema4
Classification: Uncertain significance for Hereditary cancer-predisposing syndrome. Last evaluated: 2021-06-15. Review status: criteria provided, single submitter. Criteria: Sema4 Curation Guidelines. Collection method: curation. Allele origin: germline.
Comment: The VHL c.8G>C (p.R3P) variant has not been reported in the literature to our knowledge. It was not observed in the large and broad cohorts of the Genome Aggregation Database (PMID: 32461654) but has been reported in ClinVar (Variation ID 575760). In silico tools suggest the impact of the variant on protein function is inconclusive, though these predictions have not been confirmed by functional studies. The evidence is insufficient to meet ACMG/AMP criteria for classifying the variant as benign or pathogenic. Thus, the clinical significance of this variant is currently uncertain.

NM_000551.4(VHL):c.8G>C (p.Arg3Pro)

Gene: VHL (von Hippel-Lindau tumor suppressor; plus strand). Cytogenetic location: 3p25.3.
Variant type: single nucleotide variant.
Coding change: c.8G>C on transcript NM_000551.4 (MANE Select); coding-DNA position 8, G replaced by C.
Protein change: p.Arg3Pro; replaces arginine 3 with proline.
Molecular consequence: missense variant.
Genome position (GRCh38, 1-based): chr3:10,141,855, G>C. VCF-style: chr3-10141855-G-C. GRCh37 (hg19) VCF-style: chr3-10183539-G-C.
Other names: c.8G>C, p.Arg3Pro (NM_001354723.2, NM_198156.3); short protein forms R3P.
Identifiers: ClinVar variation 575760 (VCV000575760.13), dbSNP rs1178481595, ClinGen allele CA351747019.